The following is an entry in ClinVar:

ClinVar aggregate classification (germline): Pathogenic. Review status: reviewed by expert panel (3 of 4 stars). 3 submissions from 3 submitters: Pathogenic (1). 2 of the submissions do not count toward it. Last evaluated 2016-10-18.

Conditions:
Hereditary breast ovarian cancer syndrome. Also called: Hereditary breast and ovarian cancer syndrome (HBOC); Breast and ovarian cancer; Hereditary breast and ovarian cancer syndrome; Hereditary breast and ovarian cancer; BRCA1- and BRCA2-Associated Hereditary Breast and Ovarian Cancer; Hereditary breast and/or ovarian cancer syndrome. Identifiers: Orphanet 145, MedGen C0677776, MeSH D061325, MONDO:0003582. Disease mechanism: loss of function.
Breast-ovarian cancer, familial, susceptibility to, 1 (BROVCA1). Also called: BRCA1 Hereditary Breast and Ovarian Cancer; OVARIAN CANCER, SUSCEPTIBILITY TO. Identifiers: Orphanet 145, MedGen C2676676, MONDO:0011450, OMIM 604370. Disease mechanism: loss of function.

Submissions (3):

Evidence-based Network for the Interpretation of Germline Mutant Alleles (ENIGMA)
Classification: Pathogenic for Breast-ovarian cancer, familial, susceptibility to, 1. Last evaluated: 2016-10-18. Review status: reviewed by expert panel. Criteria: ENIGMA BRCA1/2 Classification Criteria (2015). Collection method: curation. Allele origin: germline.
Comment: Variant allele predicted to encode a truncated non-functional protein.

Labcorp Genetics (formerly Invitae), Labcorp
Classification: Pathogenic for Hereditary breast ovarian cancer syndrome. Last evaluated: 2018-10-10. Review status: criteria provided, single submitter. Criteria: Invitae Variant Classification Sherloc (09022015). Collection method: clinical testing. Allele origin: germline. Not counted in ClinVar's aggregate classification.
Comment: This sequence change creates a premature translational stop signal (p.Ile68Asnfs*13) in the BRCA1 gene. It is expected to result in an absent or disrupted protein product. For these reasons, this variant has been classified as Pathogenic. Loss-of-function variants in BRCA1 are known to be pathogenic (PMID: 20104584). This variant has been reported in individuals with a personal and/or family history of breast and/or ovarian cancer (PMID: 29446198). ClinVar contains an entry for this variant (Variation ID: 266210). This variant is not present in population databases (ExAC no frequency).

Consortium of Investigators of Modifiers of BRCA1/2 (CIMBA), c/o University of Cambridge
Classification: Pathogenic for Breast-ovarian cancer, familial, susceptibility to, 1. Last evaluated: 2015-10-02. Review status: criteria provided, single submitter. Criteria: CIMBA Mutation Classification guidelines May 2016. Collection method: clinical testing. Allele origin: germline. Not counted in ClinVar's aggregate classification.

Literature cited by the submitters: PubMed 20104584 (cited by Labcorp Genetics (formerly Invitae), Labcorp); PubMed 29446198 (cited by Labcorp Genetics (formerly Invitae), Labcorp).

NM_007294.4(BRCA1):c.202dup (p.Ile68fs)

Gene: BRCA1 (BRCA1 DNA repair associated; minus strand). Cytogenetic location: 17q21.31.
Variant type: Duplication.
Coding change: c.202dup on transcript NM_007294.4 (MANE Select); coding-DNA position 202, one base duplicated (A; older notation c.202dupA).
Protein change: p.Ile68fs; shifts the reading frame from isoleucine 68.
Molecular consequence: frameshift variant.
Genome position (GRCh38, 1-based): chr17:43,106,466, T duplicated on the plus strand (A on the coding strand, the reverse complement: BRCA1 is on the minus strand). VCF-style (leftmost placement, unchanged base first): chr17-43106465-A-AT. GRCh37 (hg19) VCF-style: chr17-41258482-A-AT.
Other names: 322insA; c.202dupA (NM_007294.3); c.61dup, p.Ile21fs (NM_007297.4); c.202dup, p.Ile68Asnfs (NM_007298.4, NM_007304.2, NM_001407581.1 and 166 more transcripts); c.202dup, p.Ile68fs (NM_007299.4, NM_007300.4); c.61dup, p.Ile21Asnfs (NM_001407692.1, NM_001407694.1, NM_001407695.1 and 98 more transcripts); short protein forms I68fs, I21fs.
Identifiers: ClinVar variation 266210 (VCV000266210.11), dbSNP rs886039990, ClinGen allele CA10590031.
Genomic context (GRCh38, chr17:43,106,465, plus strand): 5'-TTTTTCCTACTGTGGTTGCTTCCAACCTAGCATCATTACCAAATTATATACCTTTTGGTT[A>AT]TATCATTCTTACATAAAGGACACTGTGAAGGCCCTTTCTTCTGGTTGAGAAGTTTCAGCA-3'